The following is an entry in ClinVar:

ClinVar aggregate classification (germline): Uncertain significance (1 of 4 stars; one submission).

Conditions:
Autosomal recessive limb-girdle muscular dystrophy type 2F (LGMDR6). Also called: Muscular dystrophy limb-girdle with delta-sarcoglyan deficiency; MUSCULAR DYSTROPHY, LIMB-GIRDLE, AUTOSOMAL RECESSIVE 6. Identifiers: Orphanet 219, MedGen C1832525, MONDO:0011028, OMIM 601287. Disease mechanism: Affects gamma-sarcoglycan and also disrupts the integrity of the entire sarcoglycan complex..

Allele frequency attached by ClinVar (database versions not stated): gnomAD exomes below 0.00001 and 0.00001; ExAC 0.00001.
gnomAD v4.1: 7 of 1,613,030 alleles (0.00043%); highest among the groups gnomAD compares: Non-Finnish European, 0.00051%; no homozygotes.

Submission:

Labcorp Genetics (formerly Invitae), Labcorp
Classification: Uncertain significance for Autosomal recessive limb-girdle muscular dystrophy type 2F. Last evaluated: 2021-09-01. Review status: criteria provided, single submitter. Criteria: Invitae Variant Classification Sherloc (09022015). Collection method: clinical testing. Allele origin: germline.
Comment: This sequence change replaces serine with phenylalanine at codon 274 of the SGCD protein (p.Ser274Phe). The serine residue is moderately conserved and there is a large physicochemical difference between serine and phenylalanine. This variant is present in population databases (rs768051118, ExAC 0.002%). This variant has not been reported in the literature in individuals affected with SGCD-related conditions. Algorithms developed to predict the effect of missense changes on protein structure and function are either unavailable or do not agree on the potential impact of this missense change (SIFT: "Deleterious"; PolyPhen-2: "Possibly Damaging"; Align-GVGD: "Class C15"). In summary, the available evidence is currently insufficient to determine the role of this variant in disease. Therefore, it has been classified as a Variant of Uncertain Significance.

NM_000337.6(SGCD):c.821C>T (p.Ser274Phe)

Gene: SGCD (sarcoglycan delta; plus strand). Cytogenetic location: 5q33.3.
Variant type: single nucleotide variant.
Coding change: c.821C>T on transcript NM_000337.6 (MANE Select); coding-DNA position 821, C replaced by T.
Protein change: p.Ser274Phe; replaces serine 274 with phenylalanine.
Molecular consequence: missense variant.
Genome position (GRCh38, 1-based): chr5:156,759,338, C>T. VCF-style: chr5-156759338-C-T. GRCh37 (hg19) VCF-style: chr5-156186349-C-T.
Other names: c.818C>T, p.Ser273Phe (NM_001128209.2); short protein forms S274F, S273F.
Identifiers: ClinVar variation 654072 (VCV000654072.6), dbSNP rs768051118, ClinGen allele CA3530705.
Genomic context (GRCh38, chr5:156,759,338, plus strand): 5'-CAGGAACGAGGCAGAAGGTCTTCGAGATCTGCGTCTGCGCCAATGGGAGATTATTCCTGT[C>T]TCAGGCAGGAGCTGGGTCCACTTGTCAGATAAACACAAGTGTCTGCCTCTGAAAGACTAT-3'
Protein context (NP_000328.2, residues 264-284): CVCANGRLFL[Ser274Phe]QAGAGSTCQI